The following is an entry in ClinVar:

NM_170707.4(LMNA):c.1631T>C (p.Val544Ala)

Gene: LMNA (lamin A/C; plus strand). Cytogenetic location: 1q22.
Variant type: single nucleotide variant.
Coding change: c.1631T>C on transcript NM_170707.4 (MANE Select); coding-DNA position 1631, T replaced by C.
Protein change: p.Val544Ala; replaces valine 544 with alanine.
Molecular consequence: missense variant. On other transcripts: intron variant (1).
Genome position (GRCh38, 1-based): chr1:156,137,676, T>C. VCF-style: chr1-156137676-T-C. GRCh37 (hg19) VCF-style: chr1-156107467-T-C.
Other names: c.1334T>C, p.Val445Ala (NM_001406988.1); c.1295T>C, p.Val432Ala (NM_001406989.1, NM_001406998.1, NM_001257374.3); c.1073T>C, p.Val358Ala (NM_001406990.1, NM_001406993.1, NM_001406995.1 and 4 more transcripts); c.1631T>C, p.Val544Ala (NM_001406991.1, NM_001406992.1, NM_005572.4 and 5 more transcripts); c.1007T>C, p.Val336Ala (NM_001406994.1, NM_001406999.1, NM_001407000.1 and 1 more transcripts); c.1388T>C, p.Val463Ala (NM_001282624.2, NM_001406986.1, NM_001406987.1); c.1608+444T>C (NM_170708.4); short protein forms V463A, V544A, V336A, V358A, V432A, V445A.
Identifiers: ClinVar variation 2701263 (VCV002701263.3), dbSNP rs2528018781, ClinGen allele CA342825429.
Genomic context (GRCh38, chr1:156,137,676, plus strand): 5'-GGCCCTGACCCTTGGACCTGGTTCCATGTCCCCACCAGGAAGTGGCCATGCGCAAGCTGG[T>C]GCGCTCAGTGACTGTGGTTGAGGACGACGAGGATGAGGATGGAGATGACCTGCTCCATCA-3'
Protein context (NP_733821.1, residues 534-554): TGEEVAMRKL[Val544Ala]RSVTVVEDDE

ClinVar aggregate classification (germline): Uncertain significance (1 of 4 stars; one submission).

Conditions:
Charcot-Marie-Tooth disease type 2. Also called: Charcot-Marie-Tooth type 2. Identifiers: Orphanet 64746, MedGen C0270914, MONDO:0018993.

Submission:

Labcorp Genetics (formerly Invitae), Labcorp
Classification: Uncertain significance for Charcot-Marie-Tooth disease type 2. Last evaluated: 2023-12-06. Review status: criteria provided, single submitter. Criteria: Invitae Variant Classification Sherloc (09022015). Collection method: clinical testing. Allele origin: germline.
Comment: This sequence change replaces valine, which is neutral and non-polar, with alanine, which is neutral and non-polar, at codon 544 of the LMNA protein (p.Val544Ala). This variant is not present in population databases (gnomAD no frequency). This variant has not been reported in the literature in individuals affected with LMNA-related conditions. Advanced modeling of protein sequence and biophysical properties (such as structural, functional, and spatial information, amino acid conservation, physicochemical variation, residue mobility, and thermodynamic stability) performed at Invitae indicates that this missense variant is expected to disrupt LMNA protein function with a positive predictive value of 95%. In summary, the available evidence is currently insufficient to determine the role of this variant in disease. Therefore, it has been classified as a Variant of Uncertain Significance.